The following is an entry in ClinVar:

ClinVar aggregate classification (germline): Likely benign. Review status: criteria provided, multiple submitters, no conflicts (2 of 4 stars). 2 submissions from 2 submitters: Likely benign (2). Last evaluated 2025-04-28.

Conditions:
PHGDH-related disorder. Also called: PHGDH-related condition.
PHGDH deficiency. Identifiers: Orphanet 79351, MedGen C1866174, MONDO:0011152, OMIM 601815.

Allele frequency attached by ClinVar (database versions not stated): ExAC 0.00001; gnomAD 0.00001; TOPMed 0.00002; 1000 Genomes Project 30x 0.00016; 1000 Genomes Project 0.00020; gnomAD exomes below 0.00001.
gnomAD v4.1: 7 of 1,613,572 alleles (0.00043%); highest among the groups gnomAD compares: Admixed American, 0.0083%; no homozygotes.

Submissions (2):

Labcorp Genetics (formerly Invitae), Labcorp
Classification: Likely benign for PHGDH deficiency. Last evaluated: 2025-04-28. Review status: criteria provided, single submitter. Criteria: Invitae Variant Classification Sherloc (09022015). Collection method: clinical testing. Allele origin: germline.

PreventionGenetics, part of Exact Sciences
Classification: Likely benign for PHGDH-related condition. Last evaluated: 2025-03-04. Review status: criteria provided, single submitter. Criteria: ACMG Guidelines, 2015. Collection method: clinical testing. Allele origin: germline.
Comment: This variant is classified as likely benign based on ACMG/AMP sequence variant interpretation guidelines (Richards et al. 2015 PMID: 25741868, with internal and published modifications).

NM_006623.4(PHGDH):c.774A>G (p.Ala258=)

Gene: PHGDH (phosphoglycerate dehydrogenase; plus strand). Cytogenetic location: 1p12.
Variant type: single nucleotide variant.
Coding change: c.774A>G on transcript NM_006623.4 (MANE Select); coding-DNA position 774, A replaced by G.
Protein change: p.Ala258=; no amino-acid change (alanine 258 retained).
Molecular consequence: synonymous variant.
Genome position (GRCh38, 1-based): chr1:119,735,425, A>G. VCF-style: chr1-119735425-A-G. GRCh37 (hg19) VCF-style: chr1-120278048-A-G.
Identifiers: ClinVar variation 799020 (VCV000799020.10), dbSNP rs587668968, ClinGen allele CA1037241.